The following is an entry in ClinVar:

ClinVar aggregate classification (germline): Conflicting classifications of pathogenicity. Review status: criteria provided, conflicting classifications (1 of 4 stars). 2 submissions from 2 submitters: Uncertain significance (1); Likely benign (1). Last evaluated 2022-12-02.

Conditions:
Cardiovascular phenotype. Identifiers: MedGen CN230736.
Osteogenesis imperfecta type I (OI1). Also called: OI, TYPE I; OSTEOGENESIS IMPERFECTA TARDA; OSTEOGENESIS IMPERFECTA WITH BLUE SCLERAE; Osteogenesis imperfecta type 1; Lobstein's Disease; Lobstein disease. Identifiers: Orphanet 216796, Orphanet 666, MedGen C0023931, MONDO:0008146, OMIM 166200. Disease mechanism: loss of function.

Allele frequency attached by ClinVar (database versions not stated): gnomAD exomes 0.00001; ExAC 0.00004.
gnomAD v4.1: 4 of 1,613,944 alleles (0.00025%); highest among the groups gnomAD compares: East Asian, 0.0089%; no homozygotes.

Submissions (2):

Labcorp Genetics (formerly Invitae), Labcorp
Classification: Likely benign for Osteogenesis imperfecta type I. Last evaluated: 2022-12-02. Review status: criteria provided, single submitter. Criteria: Invitae Variant Classification Sherloc (09022015). Collection method: clinical testing. Allele origin: germline.

Ambry Genetics
Classification: Uncertain significance for Cardiovascular phenotype. Last evaluated: 2021-10-20. Review status: criteria provided, single submitter. Criteria: Ambry Variant Classification Scheme 2023. Collection method: clinical testing. Allele origin: germline.
Comment: The p.P651S variant (also known as c.1951C>T), located in coding exon 29 of the COL1A1 gene, results from a C to T substitution at nucleotide position 1951. The proline at codon 651 is replaced by serine, an amino acid with similar properties. This amino acid position is well conserved in available vertebrate species. In addition, the in silico prediction for this alteration is inconclusive. Since supporting evidence is limited at this time, the clinical significance of this alteration remains unclear.

NM_000088.4(COL1A1):c.1951C>T (p.Pro651Ser)

Gene: COL1A1 (collagen type I alpha 1 chain; minus strand). Cytogenetic location: 17q21.33.
Variant type: single nucleotide variant.
Coding change: c.1951C>T on transcript NM_000088.4 (MANE Select); coding-DNA position 1951, C replaced by T.
Protein change: p.Pro651Ser; replaces proline 651 with serine.
Molecular consequence: missense variant.
Genome position (GRCh38, 1-based): chr17:50,192,507, G>A on the plus strand (C>T on the coding strand, the complement: COL1A1 is on the minus strand). VCF-style: chr17-50192507-G-A. GRCh37 (hg19) VCF-style: chr17-48269868-G-A.
Other names: short protein forms P651S.
Identifiers: ClinVar variation 1783246 (VCV001783246.7), dbSNP rs774045142, ClinGen allele CA8645001.
Genomic context (GRCh38, chr17:50,192,507, plus strand): 5'-ACCCCTCTGGCCGGCTGCTCCCTCTTACCTGTTCACCAGGTTTGCCTGCTTCACCTGGAG[G>A]ACCAGCAGGACCAGGGAGACCCTGTAGGTGGGAAATGGGGGAAGAAGGGAGGGAAGGTTT-3'
Protein context (NP_000079.2, residues 641-661): GFQGLPGPAG[Pro651Ser]PGEAGKPGEQ